The following is an entry in ClinVar:

NM_001122659.3(EDNRB):c.571A>T (p.Ser191Cys)

Genes: EDNRB-AS1 (EDNRB antisense RNA 1; plus strand), EDNRB (endothelin receptor type B; minus strand). Cytogenetic location: 13q22.3.
Variant type: single nucleotide variant.
Coding change: c.571A>T on transcript NM_001122659.3 (MANE Select); coding-DNA position 571, A replaced by T.
Protein change: p.Ser191Cys; replaces serine 191 with cysteine.
Molecular consequence: missense variant.
Genome position (GRCh38, 1-based): chr13:77,903,520, T>A on the plus strand (A>T on the coding strand, the complement: EDNRB is on the minus strand). VCF-style: chr13-77903520-T-A. GRCh37 (hg19) VCF-style: chr13-78477655-T-A.
Other names: c.571A>T, p.Ser191Cys (NM_000115.5, NM_003991.4); c.841A>T, p.Ser281Cys (NM_001201397.2); short protein forms S191C, S281C.
Identifiers: ClinVar variation 1919591 (VCV001919591.5), dbSNP rs1013425803, ClinGen allele CA253048370.

ClinVar aggregate classification (germline): Uncertain significance (1 of 4 stars; one submission).

Allele frequency attached by ClinVar (database versions not stated): gnomAD 0.00001; TOPMed 0.00002.
gnomAD v4.1: 1 of 1,612,798 alleles (0.000062%); highest among the groups gnomAD compares: African/African-American, 0.0013%; no homozygotes.

Submission:

Labcorp Genetics (formerly Invitae), Labcorp
Classification: Uncertain significance. Last evaluated: 2025-09-09. Review status: criteria provided, single submitter. Criteria: Invitae Variant Classification Sherloc (09022015). Collection method: clinical testing. Allele origin: germline.
Comment: This sequence change replaces serine, which is neutral and polar, with cysteine, which is neutral and slightly polar, at codon 191 of the EDNRB protein (p.Ser191Cys). This variant is present in population databases (no rsID available, gnomAD 0.007%). This variant has not been reported in the literature in individuals affected with EDNRB-related conditions. ClinVar contains an entry for this variant (Variation ID: 1919591). Invitae Evidence Modeling of protein sequence and biophysical properties (such as structural, functional, and spatial information, amino acid conservation, physicochemical variation, residue mobility, and thermodynamic stability) indicates that this missense variant is not expected to disrupt EDNRB protein function with a negative predictive value of 80%. In summary, the available evidence is currently insufficient to determine the role of this variant in disease. Therefore, it has been classified as a Variant of Uncertain Significance.